The following is an entry in ClinVar:

ClinVar aggregate classification (germline): Uncertain significance (1 of 4 stars; one submission).

Conditions:
Stickler syndrome type 1 (STL1). Also called: COL2A1-Related Stickler Syndrome; ARTHROOPHTHALMOPATHY, HEREDITARY PROGRESSIVE; STICKLER SYNDROME, MEMBRANOUS VITREOUS TYPE; STICKLER SYNDROME, VITREOUS TYPE 1. Identifiers: Orphanet 828, Orphanet 90653, MedGen C2020284, MONDO:0007160, OMIM 108300.

Submission:

Institute of Medical Genetics, University of Zurich
Classification: Uncertain significance for Stickler syndrome type 1. Last evaluated: 2026-06-24. Review status: criteria provided, single submitter. Criteria: ACMG Guidelines, 2015. Collection method: clinical testing. Allele origin: germline. Inheritance: Autosomal dominant inheritance. Affected: yes. Observed: 2 variant alleles.
Comment: The missense variant c.935G>A (p.(Gly312Asp)) in the COL2A1 gene (NM_001844.5) affects a highly conserved amino acid residue, and multiple in silico prediction tools suggest a deleterious effect on protein function. Heterozygous pathogenic and likely pathogenic variants in the COL2A1 gene are an established cause of autosomal dominant Stickler syndrome, type I (OMIM #108300). This variant is absent from population databases (gnomAD v.4.1.1) and, to our knowledge, has not been previously reported in the literature. The relatively mild clinical presentation of child and father raises the possibility that c.935G>A may represent a hypomorphic allele, although additional functional and clinical evidence is required to support this hypothesis. In the absence of additional supporting evidence, this variant is classified as Variant of Uncertain Significance (VUS).

NM_001844.5(COL2A1):c.935G>A (p.Gly312Asp)

Gene: COL2A1 (collagen type II alpha 1 chain; minus strand). Cytogenetic location: 12q13.11.
Variant type: single nucleotide variant.
Coding change: c.935G>A on transcript NM_001844.5 (MANE Select); coding-DNA position 935, G replaced by A.
Protein change: p.Gly312Asp; replaces glycine 312 with aspartic acid.
Molecular consequence: missense variant.
Genome position (GRCh38, 1-based): chr12:47,993,492, C>T on the plus strand (G>A on the coding strand, the complement: COL2A1 is on the minus strand). VCF-style: chr12-47993492-C-T. GRCh37 (hg19) VCF-style: chr12-48387275-C-T.
Other names: c.728G>A, p.Gly243Asp (NM_033150.3); short protein forms G243D, G312D.
Identifiers: ClinVar variation 4884424 (VCV004884424.1).
Genomic context (GRCh38, chr12:47,993,492, plus strand): 5'-CCTTCCTGGAGGGTGTCCATACTTACCATTGGGCCCGGAGATCCGTTCTCACCCGGGGAA[C>T]CACTCTCACCCTGGAAAAATGATGCACAAGGTCAGTGTCTGGGACCCCATTCTTGGCCGC-3'
Protein context (NP_001835.3, residues 302-322): AGAPGVKGES[Gly312Asp]SPGENGSPGP